The following is an entry in ClinVar:

NM_000540.3(RYR1):c.11907+1G>C

Gene: RYR1 (ryanodine receptor 1; plus strand). Cytogenetic location: 19q13.2.
Variant type: single nucleotide variant.
Coding change: c.11907+1G>C on transcript NM_000540.3 (MANE Select); the canonical splice donor site of the intron after coding-DNA position 11907, G replaced by C.
Molecular consequence: splice donor variant.
Genome position (GRCh38, 1-based): chr19:38,543,661, G>C. VCF-style: chr19-38543661-G-C. GRCh37 (hg19) VCF-style: chr19-39034301-G-C.
Other names: c.11892+1G>C (NM_001042723.2).
Identifiers: ClinVar variation 3661271 (VCV003661271.2).

ClinVar aggregate classification (germline): Likely pathogenic (1 of 4 stars; one submission).

Conditions:
RYR1-related disorder. Also called: RYR1-related condition; RYR1-related disorders. Identifiers: MedGen CN239331.

Submission:

Labcorp Genetics (formerly Invitae), Labcorp
Classification: Likely pathogenic for RYR1-related disorder. Last evaluated: 2024-03-06. Review status: criteria provided, single submitter. Criteria: Invitae Variant Classification Sherloc (09022015). Collection method: clinical testing. Allele origin: germline.
Comment: This sequence change affects a donor splice site in intron 86 of the RYR1 gene. It is expected to disrupt RNA splicing. Variants that disrupt the donor or acceptor splice site typically lead to a loss of protein function (PMID: 16199547), and loss-of-function variants in RYR1 are known to be pathogenic (PMID: 23919265, 25960145, 28818389, 30611313). This variant is not present in population databases (gnomAD no frequency). This variant has not been reported in the literature in individuals affected with RYR1-related conditions. Algorithms developed to predict the effect of sequence changes on RNA splicing suggest that this variant may disrupt the consensus splice site. In summary, the currently available evidence indicates that the variant is pathogenic, but additional data are needed to prove that conclusively. Therefore, this variant has been classified as Likely Pathogenic.

Literature cited by the submitters: PubMed 16199547; PubMed 23919265; PubMed 25960145; PubMed 28818389; PubMed 30611313.